The following is an entry in ClinVar:

NM_001077415.3(CRELD1):c.1104G>A (p.Gln368=)

Gene: CRELD1 (CRELD disulfide isomerase 1; plus strand). Cytogenetic location: 3p25.3.
Variant type: single nucleotide variant.
Coding change: c.1104G>A on transcript NM_001077415.3 (MANE Select); coding-DNA position 1104, G replaced by A.
Protein change: p.Gln368=; no amino-acid change (glutamine 368 retained).
Molecular consequence: synonymous variant. On other transcripts: 3 prime UTR variant (3), non-coding transcript variant (3).
Genome position (GRCh38, 1-based): chr3:9,944,420, G>A. VCF-style: chr3-9944420-G-A. GRCh37 (hg19) VCF-style: chr3-9986104-G-A.
Other names: p.Q368Q:CAG>CAA; c.*29G>A (NM_001031717.4, NM_001374317.1, NM_001374318.1); c.1104G>A, p.Gln368= (NM_001374316.1, NM_015513.6); c.1020G>A, p.Gln340= (NM_001374319.1, NM_001374320.1).
Identifiers: ClinVar variation 137032 (VCV000137032.29), dbSNP rs114286445, ClinGen allele CA290516.

ClinVar aggregate classification (germline): Benign. Review status: criteria provided, multiple submitters, no conflicts (2 of 4 stars). 3 submissions from 3 submitters: Benign (3). Last evaluated 2024-03-01.

Allele frequency attached by ClinVar (database versions not stated): 1000 Genomes Project 30x 0.00297; 1000 Genomes Project 0.00339; TOPMed 0.00844; ExAC 0.00868; gnomAD 0.00901 and 0.00932; ESP Exome Variant Server 0.00953.
gnomAD v4.1: 21,886 of 1,614,102 alleles (1.4%); highest among the groups gnomAD compares: Non-Finnish European, 1.7%; 185 homozygotes.

Submissions (3):

CeGaT Center for Human Genetics Tuebingen
Classification: Benign. Last evaluated: 2024-03-01. Review status: criteria provided, single submitter. Criteria: CeGaT Center For Human Genetics Tuebingen Variant Classification Criteria Version 2. Collection method: clinical testing. Allele origin: germline. Affected: yes. Observed: 3 variant alleles.
Comment: CRELD1: BS1, BS2

GeneDx
Classification: Benign. Last evaluated: 2013-09-24. Review status: criteria provided, single submitter. Criteria: GeneDx Variant Classification (06012015). Collection method: clinical testing. Allele origin: germline. Affected: yes.
Comment: This variant is considered likely benign or benign based on one or more of the following criteria: it is a conservative change, it occurs at a poorly conserved position in the protein, it is predicted to be benign by multiple in silico algorithms, and/or has population frequency not consistent with disease.

Breakthrough Genomics
Classification: Benign. Review status: criteria provided, single submitter. Criteria: ACMG Guidelines, 2015. Collection method: not provided. Allele origin: germline. Inheritance: Autosomal dominant inheritance. Affected: yes.